The following is an entry in ClinVar:

NM_003183.6(ADAM17):c.1118T>A (p.Val373Asp)

Gene: ADAM17 (ADAM metallopeptidase domain 17; minus strand). Cytogenetic location: 2p25.1.
Variant type: single nucleotide variant.
Coding change: c.1118T>A on transcript NM_003183.6 (MANE Select); coding-DNA position 1118, T replaced by A.
Protein change: p.Val373Asp; replaces valine 373 with aspartic acid.
Molecular consequence: missense variant.
Genome position (GRCh38, 1-based): chr2:9,517,974, A>T on the plus strand (T>A on the coding strand, the complement: ADAM17 is on the minus strand). VCF-style: chr2-9517974-A-T. GRCh37 (hg19) VCF-style: chr2-9658103-A-T.
Other names: c.458T>A, p.Val153Asp (NM_001382777.1); c.221T>A, p.Val74Asp (NM_001382778.1); short protein forms V153D, V373D, V74D.
Identifiers: ClinVar variation 1364263 (VCV001364263.8), dbSNP rs781232281, ClinGen allele CA1523574.

ClinVar aggregate classification (germline): Uncertain significance (1 of 4 stars; one submission).

Conditions:
Inflammatory skin and bowel disease, neonatal, 1. Identifiers: Orphanet 294023, MedGen C3280501, MONDO:0013693, OMIM 614328.

Allele frequency attached by ClinVar (database versions not stated): gnomAD exomes below 0.00001 and 0.00001; TOPMed below 0.00001; ExAC 0.00001.

Submission:

Labcorp Genetics (formerly Invitae), Labcorp
Classification: Uncertain significance for Inflammatory skin and bowel disease, neonatal, 1. Last evaluated: 2022-02-03. Review status: criteria provided, single submitter. Criteria: Invitae Variant Classification Sherloc (09022015). Collection method: clinical testing. Allele origin: germline.
Comment: This sequence change replaces valine, which is neutral and non-polar, with aspartic acid, which is acidic and polar, at codon 373 of the ADAM17 protein (p.Val373Asp). This variant is present in population databases (rs781232281, gnomAD 0.005%). This variant has not been reported in the literature in individuals affected with ADAM17-related conditions. Algorithms developed to predict the effect of missense changes on protein structure and function are either unavailable or do not agree on the potential impact of this missense change (SIFT: "Not Available"; PolyPhen-2: "Benign"; Align-GVGD: "Not Available"). In summary, the available evidence is currently insufficient to determine the role of this variant in disease. Therefore, it has been classified as a Variant of Uncertain Significance.